The following is an entry in ClinVar:

NM_020937.4(FANCM):c.5915C>T (p.Ala1972Val)

Gene: FANCM (FA complementation group M; plus strand). Cytogenetic location: 14q21.2.
Variant type: single nucleotide variant.
Coding change: c.5915C>T on transcript NM_020937.4 (MANE Select); coding-DNA position 5915, C replaced by T.
Protein change: p.Ala1972Val; replaces alanine 1972 with valine.
Molecular consequence: missense variant.
Genome position (GRCh38, 1-based): chr14:45,198,842, C>T. VCF-style: chr14-45198842-C-T. GRCh37 (hg19) VCF-style: chr14-45668045-C-T.
Other names: c.5837C>T, p.Ala1946Val (NM_001308133.2); short protein forms A1946V, A1972V.
Identifiers: ClinVar variation 3360305 (VCV003360305.2).

ClinVar aggregate classification (germline): Uncertain significance. Review status: criteria provided, multiple submitters, no conflicts (2 of 4 stars). 2 submissions from 2 submitters: Uncertain significance (2). Last evaluated 2024-12-12.

Conditions:
Inborn genetic diseases. Identifiers: MedGen C0950123, MeSH D030342.

Submissions (2):

Ambry Genetics
Classification: Uncertain significance for Inborn genetic diseases. Last evaluated: 2024-12-12. Review status: criteria provided, single submitter. Criteria: Ambry Variant Classification Scheme 2023. Collection method: clinical testing. Allele origin: germline.
Comment: The p.A1972V variant (also known as c.5915C>T), located in coding exon 22 of the FANCM gene, results from a C to T substitution at nucleotide position 5915. The alanine at codon 1972 is replaced by valine, an amino acid with similar properties. This amino acid position is conserved. In addition, this alteration is predicted to be tolerated by in silico analysis. Based on the available evidence, the clinical significance of this variant remains unclear.

GeneDx
Classification: Uncertain significance. Last evaluated: 2023-06-22. Review status: criteria provided, single submitter. Criteria: GeneDx Variant Classification Process June 2021. Collection method: clinical testing. Allele origin: germline. Affected: yes.
Comment: Not observed at significant frequency in large population cohorts (gnomAD); In silico analysis supports that this missense variant does not alter protein structure/function; Has not been previously published as pathogenic or benign to our knowledge; In silico analysis suggests this variant may impact gene splicing. In the absence of RNA/functional studies, the actual effect of this sequence change is unknown.